The following is an entry in ClinVar:

ClinVar aggregate classification (germline): Uncertain significance. Review status: criteria provided, multiple submitters, no conflicts (2 of 4 stars). 3 submissions from 3 submitters: Uncertain significance (3). Last evaluated 2025-07-22.

Conditions:
Hereditary cancer-predisposing syndrome. Also called: Neoplastic Syndromes, Hereditary; Tumor predisposition; Hereditary Cancer Syndrome; Hereditary neoplastic syndrome. Identifiers: Orphanet 140162, MedGen C0027672, MeSH D009386, MONDO:0015356.
Familial adenomatous polyposis 1 (FAP1). Also called: FAMILIAL ADENOMATOUS POLYPOSIS 1, ATTENUATED; POLYPOSIS, ADENOMATOUS INTESTINAL. Identifiers: MedGen C2713442, MONDO:0021056, OMIM 175100. Disease mechanism: loss of function.

Submissions (3):

Quest Diagnostics Nichols Institute San Juan Capistrano
Classification: Uncertain significance. Last evaluated: 2025-07-22. Review status: criteria provided, single submitter. Criteria: Quest Diagnostics criteria. Collection method: clinical testing. Allele origin: unknown.
Comment: The APC c.6595A>G (p.Ile2199Val) variant has not been reported in individuals with APC-related conditions in the published literature. It also has not been reported in large, multi-ethnic general populations (Genome Aggregation Database). Analysis of this variant using bioinformatics tools for the prediction of the effect of amino acid changes on protein structure and function yielded conflicting predictions that this variant is deleterious or benign. Based on the available information, we are unable to determine the clinical significance of this variant.

Labcorp Genetics (formerly Invitae), Labcorp
Classification: Uncertain significance for Familial adenomatous polyposis 1. Last evaluated: 2022-02-06. Review status: criteria provided, single submitter. Criteria: Invitae Variant Classification Sherloc (09022015). Collection method: clinical testing. Allele origin: germline.
Comment: In summary, the available evidence is currently insufficient to determine the role of this variant in disease. Therefore, it has been classified as a Variant of Uncertain Significance. Algorithms developed to predict the effect of missense changes on protein structure and function (SIFT, PolyPhen-2, Align-GVGD) all suggest that this variant is likely to be tolerated. This variant has not been reported in the literature in individuals affected with APC-related conditions. This variant is not present in population databases (gnomAD no frequency). This sequence change replaces isoleucine, which is neutral and non-polar, with valine, which is neutral and non-polar, at codon 2199 of the APC protein (p.Ile2199Val).

Ambry Genetics
Classification: Uncertain significance for Hereditary cancer-predisposing syndrome. Last evaluated: 2021-11-24. Review status: criteria provided, single submitter. Criteria: Ambry Variant Classification Scheme 2023. Collection method: clinical testing. Allele origin: germline.
Comment: The p.I2199V variant (also known as c.6595A>G), located in coding exon 15 of the APC gene, results from an A to G substitution at nucleotide position 6595. The isoleucine at codon 2199 is replaced by valine, an amino acid with highly similar properties. This amino acid position is highly conserved in available vertebrate species. In addition, in silico predictors for this gene do not accurately predict pathogenicity. Since supporting evidence is limited at this time, the clinical significance of this alteration remains unclear.

NM_000038.6(APC):c.6595A>G (p.Ile2199Val)

Gene: APC (APC regulator of Wnt signaling pathway; plus strand). Cytogenetic location: 5q22.2.
Variant type: single nucleotide variant.
Coding change: c.6595A>G on transcript NM_000038.6 (MANE Select); coding-DNA position 6595, A replaced by G.
Protein change: p.Ile2199Val; replaces isoleucine 2199 with valine.
Molecular consequence: missense variant.
Genome position (GRCh38, 1-based): chr5:112,842,189, A>G. VCF-style: chr5-112842189-A-G. GRCh37 (hg19) VCF-style: chr5-112177886-A-G.
Other names: c.6595A>G, p.Ile2199Val (NM_001127510.3, NM_001354895.2, NM_001407450.1); c.6541A>G, p.Ile2181Val (NM_001127511.3); c.6649A>G, p.Ile2217Val (NM_001354896.2, NM_001407447.1, NM_001407448.1 and 1 more transcripts); c.6625A>G, p.Ile2209Val (NM_001354897.2); c.6520A>G, p.Ile2174Val (NM_001354898.2); c.6511A>G, p.Ile2171Val (NM_001354899.2); c.6472A>G, p.Ile2158Val (NM_001354900.2); c.6418A>G, p.Ile2140Val (NM_001354901.2, NM_001407453.1); and 11 more; short protein forms I2171V, I2192V, I2073V, I2116V, I2158V, I2199V, I2209V, I2227V.
Identifiers: ClinVar variation 1754381 (VCV001754381.8), dbSNP rs2533726913, ClinGen allele CA16035763.